The following is an entry in ClinVar:

NM_018418.5(SPATA7):c.1327A>G (p.Lys443Glu)

Gene: SPATA7 (spermatogenesis associated 7; plus strand). Cytogenetic location: 14q31.3.
Variant type: single nucleotide variant.
Coding change: c.1327A>G on transcript NM_018418.5 (MANE Select); coding-DNA position 1327, A replaced by G.
Protein change: p.Lys443Glu; replaces lysine 443 with glutamic acid.
Molecular consequence: missense variant.
Genome position (GRCh38, 1-based): chr14:88,437,949, A>G. VCF-style: chr14-88437949-A-G. GRCh37 (hg19) VCF-style: chr14-88904293-A-G.
Other names: c.1231A>G, p.Lys411Glu (NM_001040428.4); short protein forms K411E, K443E.
Identifiers: ClinVar variation 2081056 (VCV002081056.4), dbSNP rs757538739, ClinGen allele CA7298795.

ClinVar aggregate classification (germline): Uncertain significance (1 of 4 stars; one submission).

Conditions:
Leber congenital amaurosis 3 (LCA3). Also called: SPATA7-Related Retinitis Pigmentosa. Identifiers: MedGen C1858677, MONDO:0011415, OMIM 604232.

gnomAD v4.1: 1 of 1,614,006 alleles (0.000062%); highest among the groups gnomAD compares: Non-Finnish European, 0.000085%; no homozygotes.

Submission:

Labcorp Genetics (formerly Invitae), Labcorp
Classification: Uncertain significance for Leber congenital amaurosis 3. Last evaluated: 2022-01-12. Review status: criteria provided, single submitter. Criteria: Invitae Variant Classification Sherloc (09022015). Collection method: clinical testing. Allele origin: germline.
Comment: This variant has not been reported in the literature in individuals affected with SPATA7-related conditions. This sequence change replaces lysine, which is basic and polar, with glutamic acid, which is acidic and polar, at codon 443 of the SPATA7 protein (p.Lys443Glu). This variant is present in population databases (rs757538739, gnomAD 0.0009%). Algorithms developed to predict the effect of missense changes on protein structure and function are either unavailable or do not agree on the potential impact of this missense change (SIFT: "Deleterious"; PolyPhen-2: "Benign"; Align-GVGD: "Class C0"). Algorithms developed to predict the effect of sequence changes on RNA splicing suggest that this variant may create or strengthen a splice site. In summary, the available evidence is currently insufficient to determine the role of this variant in disease. Therefore, it has been classified as a Variant of Uncertain Significance.